The following is an entry in ClinVar:

ClinVar aggregate classification (germline): Uncertain significance (1 of 4 stars; one submission).

Submission:

Labcorp Genetics (formerly Invitae), Labcorp
Classification: Uncertain significance. Last evaluated: 2022-07-03. Review status: criteria provided, single submitter. Criteria: Invitae Variant Classification Sherloc (09022015). Collection method: clinical testing. Allele origin: germline.
Comment: In summary, the available evidence is currently insufficient to determine the role of this variant in disease. Therefore, it has been classified as a Variant of Uncertain Significance. ClinVar contains an entry for this variant (Variation ID: 1487334). This variant has not been reported in the literature in individuals affected with UNC45A-related conditions. This variant is not present in population databases (gnomAD no frequency). This sequence change creates a premature translational stop signal (p.Gln423*) in the UNC45A gene. It is expected to result in an absent or disrupted protein product. However, the current clinical and genetic evidence is not sufficient to establish whether loss-of-function variants in UNC45A cause disease.

NM_018671.5(UNC45A):c.1267C>T (p.Gln423Ter)

Gene: UNC45A (unc-45 myosin chaperone A; plus strand). Cytogenetic location: 15q26.1.
Variant type: single nucleotide variant.
Coding change: c.1267C>T on transcript NM_018671.5 (MANE Select); coding-DNA position 1267, C replaced by T.
Protein change: p.Gln423Ter; replaces glutamine 423 with a stop codon.
Molecular consequence: nonsense.
Genome position (GRCh38, 1-based): chr15:90,946,681, C>T. VCF-style: chr15-90946681-C-T. GRCh37 (hg19) VCF-style: chr15-91489911-C-T.
Other names: c.1222C>T, p.Gln408Ter (NM_001039675.2, NM_001323621.2); c.1267C>T, p.Gln423Ter (NM_001323619.1); c.832C>T, p.Gln278Ter (NM_001323620.2); short protein forms Q278*, Q423*, Q408*.
Identifiers: ClinVar variation 1487334 (VCV001487334.6), dbSNP rs2151369674, ClinGen allele CA393856564.